The following is an entry in ClinVar:

ClinVar aggregate classification (germline): Pathogenic/Likely pathogenic. Review status: criteria provided, multiple submitters, no conflicts (2 of 4 stars). 15 submissions from 15 submitters: Pathogenic (12); Likely pathogenic (1). 2 of the submissions do not count toward it. Last evaluated 2026-04-29.

Conditions:
PKD2-related disorder. Also called: PKD2-related condition.
Inborn genetic diseases. Identifiers: MedGen C0950123, MeSH D030342.
Autosomal dominant polycystic kidney disease. Identifiers: Orphanet 730, MedGen C0085413, MONDO:0004691.
Polycystic kidney disease 2 (PKD2). Also called: Polycystic Kidney Disease 2, Autosomal Dominant; POLYCYSTIC KIDNEY DISEASE 2 WITH OR WITHOUT POLYCYSTIC LIVER DISEASE; POLYCYSTIC KIDNEY DISEASE, ADULT, TYPE II. Identifiers: MedGen C2751306, MONDO:0013131, OMIM 613095.

Submissions (15):

Victorian Clinical Genetics Services, Murdoch Childrens Research Institute
Classification: Pathogenic for Polycystic kidney disease 2. Last evaluated: 2026-04-29. Review status: criteria provided, single submitter. Criteria: ACMG Guidelines, 2015. Collection method: clinical testing. Allele origin: germline. Affected: yes.
Comment: This variant is classified as Pathogenic. Evidence in support of pathogenic classification: Variant is predicted to cause nonsense-mediated decay (NMD) and loss of protein (premature termination codon is located at least 54 nucleotides upstream of the final exon-exon junction); Variant is present in gnomAD <0.001 for a dominant condition (v4: 3 heterozygote(s), 0 homozygote(s)); This variant has strong previous evidence of pathogenicity in unrelated individuals. This variant has been classified as pathogenic by multiple clinical laboratories in ClinVar; Other NMD-predicted variant(s) comparable to the one identified in this case have very strong previous evidence for pathogenicity (DECIPHER). Additional information: This variant is heterozygous; This gene is associated with autosomal dominant disease; Loss of function is a known mechanism of disease in this gene and is associated with polycystic kidney disease 2 (MIM#613095); Inheritance information for this variant is not currently available in this individual.

3billion
Classification: Pathogenic for Polycystic kidney disease 2. Last evaluated: 2026-01-23. Review status: criteria provided, single submitter. Criteria: ACMG Guidelines, 2015. Collection method: clinical testing. Allele origin: germline. Affected: yes.
Comment: The variant is observed at an extremely low frequency in the gnomAD v4.1.0 dataset (total allele frequency: <0.001%). Predicted Consequence/Location: Frameshift: predicted to result in a loss or disruption of normal protein function through nonsense-mediated decay (NMD) or protein truncation. Multiple pathogenic variants are reported downstream of the variant. The variant has been reported at least twice as pathogenic with clinical assertions and evidence for the classification (ClinVar ID: VCV000477627 /PMID: 10411676 /3billion dataset). Therefore, this variant is classified as Pathogenic according to the recommendation of ACMG/AMP guideline.

PreventionGenetics, part of Exact Sciences
Classification: Pathogenic for PKD2-related condition. Last evaluated: 2025-07-30. Review status: criteria provided, single submitter. Criteria: ACMG Guidelines, 2015. Collection method: clinical testing. Allele origin: germline.
Comment: The PKD2 c.203dupC variant is predicted to result in a frameshift and premature protein termination (p.Ala69Glyfs*23). This variant was reported in individuals with polycystic kidney disease (see for example, Zhang et al. 2018. PubMed ID: 29633482; Table S7, Groopman et al. 2019. PubMed ID: 30586318). This variant has not been reported in a large population database (gnomAD), indicating this variant is rare. Frameshift variants in PKD2 are expected to be pathogenic. This variant is interpreted as pathogenic.

Mayo Clinic Laboratories, Mayo Clinic
Classification: Pathogenic. Last evaluated: 2025-06-24. Review status: criteria provided, single submitter. Criteria: ACMG Guidelines, 2015. Collection method: clinical testing. Allele origin: germline. Observed: 1 variant allele.
Comment: PM2_supporting, PS4_supporting, PVS1

Women's Health and Genetics/Laboratory Corporation of America, LabCorp
Classification: Pathogenic for Polycystic kidney disease 2. Last evaluated: 2025-02-24. Review status: criteria provided, single submitter. Criteria: LabCorp Variant Classification Summary - May 2015. Collection method: clinical testing. Allele origin: germline.
Comment: Variant summary: PKD2 c.203dupC (p.Ala69GlyfsX23) results in a premature termination codon, predicted to cause a truncation of the encoded protein or absence of the protein due to nonsense mediated decay, which are commonly known mechanisms for disease. The frequency data for this variant in gnomAD is considered unreliable, as metrics indicate poor data quality at this position. c.203dupC has been reported in the literature in multiple individuals affected with Polycystic Kidney Disease 2 (e.g. Cornec-Le Gall_2017). These data indicate that the variant is very likely to be associated with disease. The following publication has been ascertained in the context of this evaluation (PMID: 28356211). ClinVar contains an entry for this variant (Variation ID: 477627). Based on the evidence outlined above, the variant was classified as pathogenic.

Ambry Genetics
Classification: Pathogenic for Inborn genetic diseases. Last evaluated: 2024-10-08. Review status: criteria provided, single submitter. Criteria: Ambry Variant Classification Scheme 2023. Collection method: clinical testing. Allele origin: germline.
Comment: The c.203dupC (p.A69Gfs*23) alteration, located in exon 1 (coding exon 1) of the PKD2 gene, consists of a duplication of C at position 203, causing a translational frameshift with a predicted alternate stop codon after 23 amino acids. This alteration is expected to result in loss of function by premature protein truncation or nonsense-mediated mRNA decay. This variant was not reported in population-based cohorts in the Genome Aggregation Database (gnomAD). This variant, also referred to as 198insC, was reported in multiple individuals with features consistent with PKD2-related polycystic kidney disease (Torra, 1999; Audr&eacute;zet, 2012). Based on the available evidence, this alteration is classified as pathogenic.

Fulgent Genetics
Classification: Pathogenic for Polycystic kidney disease 2. Last evaluated: 2024-03-20. Review status: criteria provided, single submitter. Criteria: ACMG Guidelines, 2015. Collection method: clinical testing. Allele origin: germline.

Labcorp Genetics (formerly Invitae), Labcorp
Classification: Pathogenic for Autosomal dominant polycystic kidney disease. Last evaluated: 2023-11-20. Review status: criteria provided, single submitter. Criteria: Invitae Variant Classification Sherloc (09022015). Collection method: clinical testing. Allele origin: germline.
Comment: This sequence change creates a premature translational stop signal (p.Ala69Glyfs*23) in the PKD2 gene. It is expected to result in an absent or disrupted protein product. Loss-of-function variants in PKD2 are known to be pathogenic (PMID: 17582161, 22863349). This variant is not present in population databases (gnomAD no frequency). This premature translational stop signal has been observed in individuals with autosomal dominant polycystic kidney disease (PMID: 10411676, 18837007, 22508176). This variant is also known as 198insC. ClinVar contains an entry for this variant (Variation ID: 477627). For these reasons, this variant has been classified as Pathogenic.

Department of Human Genetics, Hannover Medical School
Classification: Likely pathogenic for Polycystic kidney disease 2. Last evaluated: 2022-05-10. Review status: criteria provided, single submitter. Criteria: ACMG Guidelines, 2015. Collection method: clinical testing. Allele origin: germline. Inheritance: Autosomal dominant inheritance. Affected: yes.

GeneDx
Classification: Pathogenic. Last evaluated: 2022-02-08. Review status: criteria provided, single submitter. Criteria: GeneDx Variant Classification Process June 2021. Collection method: clinical testing. Allele origin: germline. Affected: yes.
Comment: Frameshift variant predicted to result in protein truncation or nonsense mediated decay in a gene for which loss-of-function is a known mechanism of disease; Not observed in large population cohorts (gnomAD); This variant is associated with the following publications: (PMID: 22508176, 10411676, 14993477, 18837007, 29633482, 33437033, 34101167)

MGZ Medical Genetics Center
Classification: Pathogenic for Polycystic kidney disease 2. Last evaluated: 2022-01-24. Review status: criteria provided, single submitter. Criteria: ACMG Guidelines, 2015. Collection method: clinical testing. Allele origin: germline. Affected: yes. Observed: 1 variant allele.
Comment: ACMG criteria applied: PVS1, PS4_MOD, PM2_SUP

Athena Diagnostics
Classification: Pathogenic. Last evaluated: 2021-01-21. Review status: criteria provided, single submitter. Criteria: Athena Diagnostics criteria. Collection method: clinical testing. Allele origin: unknown.
Comment: This variant is expected to result in the loss of a functional protein. This variant has not been reported in large, multi-ethnic general populations. In some published literature, this variant is referred to as 198insC. This variant has been identified in multiple unrelated individuals with clinical features associated with this gene.

Molecular Genetics of Inherited Kidney Disorders Laboratory, Garvan Institute of Medical Research
Classification: Pathogenic for Autosomal dominant polycystic kidney disease. Last evaluated: 2019-01-01. Review status: criteria provided, single submitter. Criteria: ACMG Guidelines, 2015. Collection method: research. Allele origin: germline. Affected: yes.

Gharavi Laboratory, Columbia University
Classification: Pathogenic. Last evaluated: 2018-09-16. Review status: no assertion criteria provided. Criteria: ACMG Guidelines, 2015. Collection method: research. Allele origin: germline. Affected: yes. Not counted in ClinVar's aggregate classification.

OMIM
Classification: Pathogenic for POLYCYSTIC KIDNEY DISEASE 2. Last evaluated: 1999-03-01. Review status: no assertion criteria provided. Collection method: literature only. Allele origin: germline. Not counted in ClinVar's aggregate classification.

Literature cited by the submitters: PubMed 10411676 (cited by 5 submitters); PubMed 29633482 (cited by Mayo Clinic Laboratories, Mayo Clinic and Athena Diagnostics); PubMed 30586318 (cited by Mayo Clinic Laboratories, Mayo Clinic); PubMed 33437033 (cited by Mayo Clinic Laboratories, Mayo Clinic); PubMed 34101167 (cited by Mayo Clinic Laboratories, Mayo Clinic); PubMed 28356211 (cited by Women's Health and Genetics/Laboratory Corporation of America, LabCorp); PubMed 22508176 (cited by 3 submitters); PubMed 17582161 (cited by Labcorp Genetics (formerly Invitae), Labcorp); PubMed 22863349 (cited by Labcorp Genetics (formerly Invitae), Labcorp); PubMed 18837007 (cited by Labcorp Genetics (formerly Invitae), Labcorp and Athena Diagnostics); PubMed 9949210 (cited by OMIM).

NM_000297.4(PKD2):c.203dup (p.Ala69fs)

Genes: PKD2 (polycystin 2, transient receptor potential cation channel; plus strand), LOC129992813 (ATAC-STARR-seq lymphoblastoid silent region 15559; plus strand). Cytogenetic location: 4q22.1.
Variant type: Duplication.
Coding change: c.203dup on transcript NM_000297.4 (MANE Select); coding-DNA position 203, one base duplicated (C; older notation c.203dupC).
Protein change: p.Ala69fs; shifts the reading frame from alanine 69.
Molecular consequence: frameshift variant. On other transcripts: non-coding transcript variant (1).
Genome position (GRCh38, 1-based): chr4:88,007,936, C duplicated; the last of 6 consecutive C bases (chr4:88,007,931-88,007,936); duplicating any one gives the same sequence. VCF-style (leftmost placement, unchanged base first): chr4-88007930-A-AC. GRCh37 (hg19) VCF-style: chr4-88929082-A-AC.
Other names: p.Ala69Glyfs*23; c.203dupC (NM_000297.3, NM_000297.4); short protein forms A69fs.
Identifiers: ClinVar variation 477627 (VCV000477627.28), dbSNP rs1187336837, ClinGen allele CA658657390.